The following is an entry in ClinVar:

ClinVar aggregate classification (germline): Uncertain significance. Review status: criteria provided, multiple submitters, no conflicts (2 of 4 stars). 2 submissions from 2 submitters: Uncertain significance (2). Last evaluated 2025-08-21.

Conditions:
Properdin deficiency, X-linked (CFPD). Also called: PROPERDIN DEFICIENCY, TYPE I; PROPERDIN P FACTOR DEFICIENCY; COMPLEMENT FACTOR PROPERDIN DEFICIENCY; Properdin deficiency, type 1. Identifiers: Orphanet 2966, MedGen C1839454, MONDO:0010713, OMIM 312060.

Allele frequency attached by ClinVar (database versions not stated): gnomAD exomes 0.00001 and 0.00002; ExAC 0.00002; TOPMed 0.00006; gnomAD 0.00007; ESP Exome Variant Server 0.00009.

Submissions (2):

Labcorp Genetics (formerly Invitae), Labcorp
Classification: Uncertain significance. Last evaluated: 2025-08-21. Review status: criteria provided, single submitter. Criteria: Invitae Variant Classification Sherloc (09022015). Collection method: clinical testing. Allele origin: germline.
Comment: This sequence change replaces arginine, which is basic and polar, with glutamine, which is neutral and polar, at codon 157 of the CFP protein (p.Arg157Gln). This variant is present in population databases (rs140986480, gnomAD 0.02%). This variant has not been reported in the literature in individuals affected with CFP-related conditions. ClinVar contains an entry for this variant (Variation ID: 1019416). Invitae Evidence Modeling of protein sequence and biophysical properties (such as structural, functional, and spatial information, amino acid conservation, physicochemical variation, residue mobility, and thermodynamic stability) indicates that this missense variant is not expected to disrupt CFP protein function with a negative predictive value of 80%. In summary, the available evidence is currently insufficient to determine the role of this variant in disease. Therefore, it has been classified as a Variant of Uncertain Significance.

Fulgent Genetics
Classification: Uncertain significance for Properdin deficiency, X-linked. Last evaluated: 2022-02-18. Review status: criteria provided, single submitter. Criteria: ACMG Guidelines, 2015. Collection method: clinical testing. Allele origin: unknown.

NM_001145252.3(CFP):c.470G>A (p.Arg157Gln)

Gene: CFP (complement factor properdin; minus strand). Cytogenetic location: Xp11.23.
Variant type: single nucleotide variant.
Coding change: c.470G>A on transcript NM_001145252.3 (MANE Select); coding-DNA position 470, G replaced by A.
Protein change: p.Arg157Gln; replaces arginine 157 with glutamine.
Molecular consequence: missense variant.
Genome position (GRCh38, 1-based): chrX:47,627,575, C>T on the plus strand (G>A on the coding strand, the complement: CFP is on the minus strand). VCF-style: chrX-47627575-C-T. GRCh37 (hg19) VCF-style: chrX-47486974-C-T.
Other names: c.470G>A, p.Arg157Gln (NM_002621.2); short protein forms R157Q.
Identifiers: ClinVar variation 1019416 (VCV001019416.9), dbSNP rs140986480, ClinGen allele CA10398953.